The following is an entry in ClinVar:

NM_032383.5(HPS3):c.1224G>A (p.Pro408=)

Gene: HPS3 (HPS3 biogenesis of lysosomal organelles complex 2 subunit 1; plus strand). Cytogenetic location: 3q24.
Variant type: single nucleotide variant.
Coding change: c.1224G>A on transcript NM_032383.5 (MANE Select); coding-DNA position 1224, G replaced by A.
Protein change: p.Pro408=; no amino-acid change (proline 408 retained).
Molecular consequence: synonymous variant.
Genome position (GRCh38, 1-based): chr3:149,150,659, G>A. VCF-style: chr3-149150659-G-A. GRCh37 (hg19) VCF-style: chr3-148868446-G-A.
Other names: c.729G>A, p.Pro243= (NM_001308258.2).
Identifiers: ClinVar variation 748800 (VCV000748800.36), dbSNP rs752942876, ClinGen allele CA2660036.
Genomic context (GRCh38, chr3:149,150,659, plus strand): 5'-TAACAACCTGCAGTGTTTCACTGTGCGGTGCAGTGCGGCGGCAGCTCGTGAGGAGGACCC[G>A]TACATGGACACCACCCTGAAGGTAAGAACTGGCTTATGAAGATAGTGAAACCTTAAGATC-3'
Protein context (NP_115759.2, residues 398-418): CSAAAAREED[Pro408=]YMDTTLKACP

ClinVar aggregate classification (germline): Likely benign. Review status: criteria provided, multiple submitters, no conflicts (2 of 4 stars). 4 submissions from 4 submitters: Likely benign (2). 2 of the submissions do not count toward it. Last evaluated 2026-01-20.

Conditions:
HPS3-related disorder. Also called: HPS3-related condition.
Hermansky-Pudlak syndrome (HPS). Also called: ALBINISM WITH HEMORRHAGIC DIATHESIS AND PIGMENTED RETICULOENDOTHELIAL CELLS. Identifiers: Orphanet 79430, MedGen C0079504, MONDO:0019312.

Allele frequency attached by ClinVar (database versions not stated): gnomAD 0.00006; gnomAD exomes 0.00006 and 0.00010; TOPMed 0.00007; ExAC 0.00010.
gnomAD v4.1: 93 of 1,613,582 alleles (0.0058%); highest among the groups gnomAD compares: South Asian, 0.053%; no homozygotes.

Submissions (4):

Labcorp Genetics (formerly Invitae), Labcorp
Classification: Likely benign. Last evaluated: 2026-01-20. Review status: criteria provided, single submitter. Criteria: Invitae Variant Classification Sherloc (09022015). Collection method: clinical testing. Allele origin: germline.

CeGaT Center for Human Genetics Tuebingen
Classification: Likely benign. Last evaluated: 2022-11-01. Review status: criteria provided, single submitter. Criteria: CeGaT Center For Human Genetics Tuebingen Variant Classification Criteria Version 2. Collection method: clinical testing. Allele origin: germline. Affected: yes. Observed: 1 variant allele.
Comment: HPS3: BP4, BP7

PreventionGenetics, part of Exact Sciences
Classification: Likely benign for HPS3-related condition. Last evaluated: 2023-05-31. Review status: no assertion criteria provided. Collection method: clinical testing. Allele origin: germline. Not counted in ClinVar's aggregate classification.
Comment: This variant is classified as likely benign based on ACMG/AMP sequence variant interpretation guidelines (Richards et al. 2015 PMID: 25741868, with internal and published modifications).

Natera, Inc.
Classification: Uncertain significance for Hermansky-Pudlak syndrome. Last evaluated: 2020-03-10. Review status: no assertion criteria provided. Collection method: clinical testing. Allele origin: germline. Not counted in ClinVar's aggregate classification.